The following is an entry in ClinVar:

ClinVar aggregate classification (germline): Uncertain significance (1 of 4 stars; one submission).

Allele frequency attached by ClinVar (database versions not stated): gnomAD exomes below 0.00001; ExAC 0.00001; gnomAD 0.00001; 1000 Genomes Project 0.00020; 1000 Genomes Project 30x 0.00031.
gnomAD v4.1: 2 of 1,613,968 alleles (0.00012%); highest among the groups gnomAD compares: South Asian, 0.0011%; no homozygotes.

Submission:

Labcorp Genetics (formerly Invitae), Labcorp
Classification: Uncertain significance. Last evaluated: 2022-07-29. Review status: criteria provided, single submitter. Criteria: Invitae Variant Classification Sherloc (09022015). Collection method: clinical testing. Allele origin: germline.
Comment: This sequence change replaces isoleucine, which is neutral and non-polar, with valine, which is neutral and non-polar, at codon 683 of the FBN3 protein (p.Ile683Val). This variant is present in population databases (rs529695647, gnomAD 0.003%). This variant has not been reported in the literature in individuals affected with FBN3-related conditions. Algorithms developed to predict the effect of missense changes on protein structure and function are either unavailable or do not agree on the potential impact of this missense change (SIFT: "Not Available"; PolyPhen-2: "Benign"; Align-GVGD: "Not Available"). In summary, the available evidence is currently insufficient to determine the role of this variant in disease. Therefore, it has been classified as a Variant of Uncertain Significance.

NM_032447.5(FBN3):c.2047A>G (p.Ile683Val)

Gene: FBN3 (fibrillin 3; minus strand). Cytogenetic location: 19p13.2.
Variant type: single nucleotide variant.
Coding change: c.2047A>G on transcript NM_032447.5 (MANE Select); coding-DNA position 2047, A replaced by G.
Protein change: p.Ile683Val; replaces isoleucine 683 with valine.
Molecular consequence: missense variant.
Genome position (GRCh38, 1-based): chr19:8,129,363, T>C on the plus strand (A>G on the coding strand, the complement: FBN3 is on the minus strand). VCF-style: chr19-8129363-T-C. GRCh37 (hg19) VCF-style: chr19-8194247-T-C.
Other names: c.2047A>G, p.Ile683Val (NM_001321431.2); short protein forms I683V.
Identifiers: ClinVar variation 2094486 (VCV002094486.4), dbSNP rs529695647, ClinGen allele CA9153039.